The following is an entry in ClinVar:

ClinVar aggregate classification (germline): Uncertain significance (1 of 4 stars; one submission).

Submission:

Labcorp Genetics (formerly Invitae), Labcorp
Classification: Uncertain significance. Last evaluated: 2022-03-03. Review status: criteria provided, single submitter. Criteria: Invitae Variant Classification Sherloc (09022015). Collection method: clinical testing. Allele origin: germline.
Comment: In summary, the available evidence is currently insufficient to determine the role of this variant in disease. Therefore, it has been classified as a Variant of Uncertain Significance. This variant disrupts a region of the COL11A1 protein in which other variant(s) (p.Gly535Cys ) have been observed in individuals with COL11A1-related conditions (PMID: 25240749). This suggests that this is a clinically significant region of the protein, and that variants that disrupt it are likely to be disease-causing. Experimental studies and prediction algorithms are not available or were not evaluated, and the functional significance of this variant is currently unknown. A similar copy number variant has been observed in individual(s) with Stickler syndrome (Invitae). This variant is a gross deletion of the genomic region encompassing exon(s) 13-15 of the COL11A1 gene. This variant would be expected to be in-frame, preserving the integrity of the reading frame.

Literature cited by the submitters: PubMed 25240749.

NC_000001.10:g.(?_103473999)_(103480170_?)del

Gene: COL11A1 (collagen type XI alpha 1 chain; minus strand). Cytogenetic location: 1p21.1.
Variant type: Deletion.
Identifiers: ClinVar variation 2424276 (VCV002424276.4).